The following is an entry in ClinVar:

ClinVar aggregate classification (germline): Uncertain significance. Review status: criteria provided, multiple submitters, no conflicts (2 of 4 stars). 4 submissions from 4 submitters: Uncertain significance (4). Last evaluated 2025-12-01.

Conditions:
Hereditary cancer-predisposing syndrome. Also called: Hereditary Cancer Syndrome; Hereditary neoplastic syndrome; Neoplastic Syndromes, Hereditary; Tumor predisposition. Identifiers: Orphanet 140162, MedGen C0027672, MeSH D009386, MONDO:0015356.

Allele frequency attached by ClinVar (database versions not stated): gnomAD exomes below 0.00001 and 0.00001; TOPMed 0.00002; gnomAD 0.00003 and 0.00004.
gnomAD v4.1: 19 of 1,613,912 alleles (0.0012%); highest among the groups gnomAD compares: African/African-American, 0.004%; no homozygotes.

Submissions (4):

Labcorp Genetics (formerly Invitae), Labcorp
Classification: Uncertain significance. Last evaluated: 2025-12-01. Review status: criteria provided, single submitter. Criteria: Invitae Variant Classification Sherloc (09022015). Collection method: clinical testing. Allele origin: germline.
Comment: This sequence change replaces threonine, which is neutral and polar, with methionine, which is neutral and non-polar, at codon 998 of the POLE protein (p.Thr998Met). This variant is present in population databases (no rsID available, gnomAD 0.004%). This variant has not been reported in the literature in individuals affected with POLE-related conditions. ClinVar contains an entry for this variant (Variation ID: 405898). Invitae Evidence Modeling of protein sequence and biophysical properties (such as structural, functional, and spatial information, amino acid conservation, physicochemical variation, residue mobility, and thermodynamic stability) indicates that this missense variant is expected to disrupt POLE protein function with a positive predictive value of 80%. In summary, the available evidence is currently insufficient to determine the role of this variant in disease. Therefore, it has been classified as a Variant of Uncertain Significance.

GeneDx
Classification: Uncertain significance. Last evaluated: 2025-08-26. Review status: criteria provided, single submitter. Criteria: GeneDx Variant Classification Process June 2021. Collection method: clinical testing. Allele origin: germline. Affected: yes.
Comment: Not observed at significant frequency in large population cohorts (gnomAD); In silico analysis supports that this missense variant has a deleterious effect on protein structure/function; Has not been previously published as pathogenic or benign to our knowledge

Ambry Genetics
Classification: Uncertain significance for Hereditary cancer-predisposing syndrome. Last evaluated: 2025-01-27. Review status: criteria provided, single submitter. Criteria: Ambry Variant Classification Scheme 2023. Collection method: clinical testing. Allele origin: germline.
Comment: The p.T998M variant (also known as c.2993C>T), located in coding exon 25 of the POLE gene, results from a C to T substitution at nucleotide position 2993. The threonine at codon 998 is replaced by methionine, an amino acid with similar properties. This amino acid position is well conserved in available vertebrate species. In addition, the in silico prediction for this alteration is inconclusive. Based on the available evidence, the clinical significance of this variant remains unclear.

Quest Diagnostics Nichols Institute San Juan Capistrano
Classification: Uncertain significance. Last evaluated: 2017-05-18. Review status: criteria provided, single submitter. Criteria: Quest Diagnostics criteria. Collection method: clinical testing. Allele origin: unknown.

NM_006231.4(POLE):c.2993C>T (p.Thr998Met)

Gene: POLE (DNA polymerase epsilon, catalytic subunit; minus strand). Cytogenetic location: 12q24.33.
Variant type: single nucleotide variant.
Coding change: c.2993C>T on transcript NM_006231.4 (MANE Select); coding-DNA position 2993, C replaced by T.
Protein change: p.Thr998Met; replaces threonine 998 with methionine.
Molecular consequence: missense variant.
Genome position (GRCh38, 1-based): chr12:132,661,036, G>A on the plus strand (C>T on the coding strand, the complement: POLE is on the minus strand). VCF-style: chr12-132661036-G-A. GRCh37 (hg19) VCF-style: chr12-133237622-G-A.
Other names: short protein forms T998M.
Identifiers: ClinVar variation 405898 (VCV000405898.19), dbSNP rs989886155, ClinGen allele CA16613898.